The following is an entry in ClinVar:

NM_002907.4(RECQL):c.1781C>T (p.Thr594Met)

Genes: RECQL (RecQ like helicase; minus strand), PYROXD1 (pyridine nucleotide-disulphide oxidoreductase domain 1; plus strand). Cytogenetic location: 12p12.1.
Variant type: single nucleotide variant.
Coding change: c.1781C>T on transcript NM_002907.4 (MANE Select); coding-DNA position 1781, C replaced by T.
Protein change: p.Thr594Met; replaces threonine 594 with methionine.
Molecular consequence: missense variant. On other transcripts: 3 prime UTR variant (3).
Genome position (GRCh38, 1-based): chr12:21,470,985, G>A on the plus strand (C>T on the coding strand, the complement: RECQL is on the minus strand). VCF-style: chr12-21470985-G-A. GRCh37 (hg19) VCF-style: chr12-21623919-G-A.
Other names: c.1781C>T, p.Thr594Met (NM_032941.3); c.*2231G>A (NM_001350912.2, NM_001350913.2, NM_024854.5); short protein forms T594M.
Identifiers: ClinVar variation 584803 (VCV000584803.16), dbSNP rs372947261, ClinGen allele CA6478653.
Genomic context (GRCh38, chr12:21,470,985, plus strand): 5'-ATACTTTTTAAAATATATAAAACTGAAAATTAATAGCCATTTACCCTGAAAGAGTTCTGC[G>A]TGGACTTTGTCACTTGCATAGTAATAGCATGTGCCTCATTGTTCAGAAGATTAGCTTTAG-3'
Protein context (NP_002898.2, residues 584-604): HAITMQVTKS[Thr594Met]QNSFRAESSQ

ClinVar aggregate classification (germline): Uncertain significance. Review status: criteria provided, multiple submitters, no conflicts (2 of 4 stars). 5 submissions from 5 submitters: Uncertain significance (5). Last evaluated 2025-05-28.

Conditions:
RECON progeroid syndrome (RECON). Identifiers: MedGen C5830504, MONDO:0957266, OMIM 620370.
Hereditary cancer-predisposing syndrome. Also called: Tumor predisposition; Neoplastic Syndromes, Hereditary; Hereditary neoplastic syndrome; Hereditary Cancer Syndrome. Identifiers: Orphanet 140162, MedGen C0027672, MeSH D009386, MONDO:0015356.

Allele frequency attached by ClinVar (database versions not stated): gnomAD exomes 0.00001 and 0.00002; ExAC 0.00003; gnomAD 0.00003 and 0.00004; ESP Exome Variant Server 0.00008; TOPMed 0.00008.
gnomAD v4.1: 23 of 1,552,730 alleles (0.0015%); highest among the groups gnomAD compares: Middle Eastern, 0.017%; no homozygotes.

Submissions (5):

Quest Diagnostics Nichols Institute San Juan Capistrano
Classification: Uncertain significance. Last evaluated: 2025-05-28. Review status: criteria provided, single submitter. Criteria: Quest Diagnostics criteria. Collection method: clinical testing. Allele origin: unknown.
Comment: The RECQL c.1781C>T (p.Thr594Met) variant has been reported in the published literature in individuals with breast cancer as well as reportedly unaffected individuals (PMID: 33471991 (2021), see also LOVD). The frequency of this variant in the general population (Genome Aggregation Database) is uninformative in the assessment of its pathogenicity. Analysis of this variant using bioinformatics tools for the prediction of the effect of amino acid changes on protein structure and function yielded predictions that this variant is benign. Based on the available information, we are unable to determine the clinical significance of this variant.

GeneDx
Classification: Uncertain significance. Last evaluated: 2024-05-06. Review status: criteria provided, single submitter. Criteria: GeneDx Variant Classification Process June 2021. Collection method: clinical testing. Allele origin: germline. Affected: yes.
Comment: Not observed at significant frequency in large population cohorts (gnomAD); In silico analysis indicates that this missense variant does not alter protein structure/function; Has not been previously published as pathogenic or benign to our knowledge; Variants in candidate genes are classified as variants of uncertain significance in accordance with ACMG guidelines (PMID: 25741868); This variant is associated with the following publications: (PMID: 23396353, 27248010)

Fulgent Genetics
Classification: Uncertain significance for RECON progeroid syndrome. Last evaluated: 2024-01-06. Review status: criteria provided, single submitter. Criteria: ACMG Guidelines, 2015. Collection method: clinical testing. Allele origin: germline.

Labcorp Genetics (formerly Invitae), Labcorp
Classification: Uncertain significance. Last evaluated: 2023-07-03. Review status: criteria provided, single submitter. Criteria: Invitae Variant Classification Sherloc (09022015). Collection method: clinical testing. Allele origin: germline.
Comment: ClinVar contains an entry for this variant (Variation ID: 584803). Advanced modeling of protein sequence and biophysical properties (such as structural, functional, and spatial information, amino acid conservation, physicochemical variation, residue mobility, and thermodynamic stability) performed at Invitae indicates that this missense variant is not expected to disrupt RECQL protein function. In summary, the available evidence is currently insufficient to determine the role of this variant in disease. Therefore, it has been classified as a Variant of Uncertain Significance. This variant has not been reported in the literature in individuals affected with RECQL-related conditions. This sequence change replaces threonine, which is neutral and polar, with methionine, which is neutral and non-polar, at codon 594 of the RECQL protein (p.Thr594Met). The frequency data for this variant in the population databases is considered unreliable, as metrics indicate poor data quality at this position in the gnomAD database.

Mendelics
Classification: Uncertain significance for Hereditary cancer-predisposing syndrome. Last evaluated: 2018-07-02. Review status: criteria provided, single submitter. Criteria: Mendelics Assertion Criteria 2017. Collection method: clinical testing. Allele origin: unknown.

Literature cited by the submitters: PubMed 33471991 (cited by Quest Diagnostics Nichols Institute San Juan Capistrano).